The following is an entry in ClinVar:

NM_006254.4(PRKCD):c.1036A>G (p.Ile346Val)

Gene: PRKCD (protein kinase C delta; plus strand). Cytogenetic location: 3p21.1.
Variant type: single nucleotide variant.
Coding change: c.1036A>G on transcript NM_006254.4 (MANE Select); coding-DNA position 1036, A replaced by G.
Protein change: p.Ile346Val; replaces isoleucine 346 with valine.
Molecular consequence: missense variant.
Genome position (GRCh38, 1-based): chr3:53,185,977, A>G. VCF-style: chr3-53185977-A-G. GRCh37 (hg19) VCF-style: chr3-53219993-A-G.
Other names: c.1036A>G, p.Ile346Val (NM_001316327.2, NM_001354679.2, NM_001354680.2 and 2 more transcripts); c.1093A>G, p.Ile365Val (NM_001354676.2); c.1084A>G, p.Ile362Val (NM_001354678.2); short protein forms I346V, I362V, I365V.
Identifiers: ClinVar variation 541622 (VCV000541622.5), dbSNP rs1434557148, ClinGen allele CA353221259.

ClinVar aggregate classification (germline): Uncertain significance (1 of 4 stars; one submission).

Conditions:
Autoimmune lymphoproliferative syndrome, type III caused by mutation in PRKCD. Identifiers: Orphanet 3261, Orphanet 664711, MedGen C3809928, MONDO:8000024, OMIM 615559.

Allele frequency attached by ClinVar (database versions not stated): gnomAD exomes below 0.00001; TOPMed 0.00001; gnomAD 0.00001.
gnomAD v4.1: 2 of 1,614,142 alleles (0.00012%); highest among the groups gnomAD compares: African/African-American, 0.0027%; no homozygotes.

Submission:

Labcorp Genetics (formerly Invitae), Labcorp
Classification: Uncertain significance for Autoimmune lymphoproliferative syndrome, type III caused by mutation in PRKCD. Last evaluated: 2017-10-01. Review status: criteria provided, single submitter. Criteria: Invitae Variant Classification Sherloc (09022015). Collection method: clinical testing. Allele origin: germline.
Comment: This sequence change replaces isoleucine with valine at codon 346 of the PRKCD protein (p.Ile346Val). The isoleucine residue is highly conserved and there is a small physicochemical difference between isoleucine and valine. This variant is not present in population databases (ExAC no frequency). This variant has not been reported in the literature in individuals with PRKCD-related disease. Algorithms developed to predict the effect of missense changes on protein structure and function (SIFT, PolyPhen-2, Align-GVGD) all suggest that this variant is likely to be tolerated, but these predictions have not been confirmed by published functional studies and their clinical significance is uncertain. In summary, the available evidence is currently insufficient to determine the role of this variant in disease. Therefore, it has been classified as a Variant of Uncertain Significance.